The following is an entry in ClinVar:

ClinVar aggregate classification (germline): Uncertain significance (1 of 4 stars; one submission).

Conditions:
Skeletal overgrowth-craniofacial dysmorphism-hyperelastic skin-white matter lesions syndrome. Also called: SKELETAL OVERGROWTH WITH FACIAL DYSMORPHISM, HYPERELASTIC SKIN, WHITE MATTER LESIONS, AND NEUROLOGIC DETERIORATION; Kosaki overgrowth syndrome. Identifiers: Orphanet 477831, MedGen C4225270, MONDO:0014704, OMIM 616592.
Acroosteolysis-keloid-like lesions-premature aging syndrome. Also called: Premature aging syndrome, Penttinen type; Prematurely aged appearance, delayed bone maturation, acro-osteolysis, and brachydactyly; Progeroid syndrome, Penttinen type. Identifiers: Orphanet 363665, MedGen C1866182, MONDO:0011150, OMIM 601812.
Infantile myofibromatosis (IMF). Also called: Congenital generalized fibromatosis. Identifiers: Orphanet 2591, MedGen C0432284, MONDO:0016824.
Basal ganglia calcification, idiopathic, 4 (PFBC4). Also called: Familial Idiopathic Basal Ganglia Calcification 4; PRIMARY FAMILIAL BRAIN CALCIFICATION 4, AUTOSOMAL DOMINANT. Identifiers: Orphanet 1980, MedGen C3554321, MONDO:0014004, OMIM 615007.

gnomAD v4.1: 8 of 1,612,646 alleles (0.0005%); highest among the groups gnomAD compares: South Asian, 0.0044%; no homozygotes.

Submission:

Labcorp Genetics (formerly Invitae), Labcorp
Classification: Uncertain significance for Basal ganglia calcification, idiopathic, 4; Skeletal overgrowth-craniofacial dysmorphism-hyperelastic skin-white matter lesions syndrome; Infantile myofibromatosis; Acroosteolysis-keloid-like lesions-premature aging syndrome. Last evaluated: 2025-04-18. Review status: criteria provided, single submitter. Criteria: Invitae Variant Classification Sherloc (09022015). Collection method: clinical testing. Allele origin: germline.
Comment: This sequence change replaces histidine, which is basic and polar, with proline, which is neutral and non-polar, at codon 426 of the PDGFRB protein (p.His426Pro). This variant is present in population databases (rs774153485, gnomAD 0.003%). This variant has not been reported in the literature in individuals affected with PDGFRB-related conditions. Invitae Evidence Modeling of protein sequence and biophysical properties (such as structural, functional, and spatial information, amino acid conservation, physicochemical variation, residue mobility, and thermodynamic stability) indicates that this missense variant is not expected to disrupt PDGFRB protein function with a negative predictive value of 80%. In summary, the available evidence is currently insufficient to determine the role of this variant in disease. Therefore, it has been classified as a Variant of Uncertain Significance.

NM_002609.4(PDGFRB):c.1277A>C (p.His426Pro)

Gene: PDGFRB (platelet derived growth factor receptor beta; minus strand). Cytogenetic location: 5q32.
Variant type: single nucleotide variant.
Coding change: c.1277A>C on transcript NM_002609.4 (MANE Select); coding-DNA position 1277, A replaced by C.
Protein change: p.His426Pro; replaces histidine 426 with proline.
Molecular consequence: missense variant.
Genome position (GRCh38, 1-based): chr5:150,130,629, T>G on the plus strand (A>C on the coding strand, the complement: PDGFRB is on the minus strand). VCF-style: chr5-150130629-T-G. GRCh37 (hg19) VCF-style: chr5-149510192-T-G.
Other names: c.1085A>C, p.His362Pro (NM_001355016.2); c.794A>C, p.His265Pro (NM_001355017.2); short protein forms H426P, H265P, H362P.
Identifiers: ClinVar variation 4792979 (VCV004792979.1).